The following is an entry in ClinVar:

NM_001148.6(ANK2):c.5492C>T (p.Ser1831Phe)

Genes: ANK2 (ankyrin 2; plus strand), LOC126807136 (MED14-independent group 3 enhancer GRCh37_chr4:114274931-114276130; plus strand). Cytogenetic location: 4q26.
Variant type: single nucleotide variant.
Coding change: c.5492C>T on transcript NM_001148.6 (MANE Select); coding-DNA position 5492, C replaced by T.
Protein change: p.Ser1831Phe; replaces serine 1831 with phenylalanine.
Molecular consequence: missense variant. On other transcripts: intron variant (68).
Genome position (GRCh38, 1-based): chr4:113,354,110, C>T. VCF-style: chr4-113354110-C-T. GRCh37 (hg19) VCF-style: chr4-114275266-C-T.
Other names: c.5258C>T, p.Ser1753Phe (NM_001386142.1); c.1892C>T, p.Ser631Phe (NM_001386166.1); c.5633C>T, p.Ser1878Phe (NM_001386174.1); c.5609C>T, p.Ser1870Phe (NM_001386175.1); c.4411+3861C>T (NM_001386186.2, NM_001386148.2); c.4213+3861C>T (NM_001354269.3); c.4291+3861C>T (NM_001386187.2); c.4252+3861C>T (NM_001386147.1); and 35 more; short protein forms S1753F, S1831F, S1870F, S1878F, S631F.
Identifiers: ClinVar variation 1318871 (VCV001318871.4), dbSNP rs1259276813, ClinGen allele CA357919908.

ClinVar aggregate classification (germline): Uncertain significance. Review status: criteria provided, multiple submitters, no conflicts (2 of 4 stars). 2 submissions from 2 submitters: Uncertain significance (2). Last evaluated 2022-05-24.

Conditions:
Cardiovascular phenotype. Identifiers: MedGen CN230736.

Allele frequency attached by ClinVar (database versions not stated): gnomAD exomes below 0.00001.
gnomAD v4.1: 6 of 1,614,104 alleles (0.00037%); highest among the groups gnomAD compares: East Asian, 0.0022%; no homozygotes.

Submissions (2):

Ambry Genetics
Classification: Uncertain significance for Cardiovascular phenotype. Last evaluated: 2022-05-24. Review status: criteria provided, single submitter. Criteria: Ambry Variant Classification Scheme 2023. Collection method: clinical testing. Allele origin: germline.
Comment: The p.S1831F variant (also known as c.5492C>T), located in coding exon 38 of the ANK2 gene, results from a C to T substitution at nucleotide position 5492. The serine at codon 1831 is replaced by phenylalanine, an amino acid with highly dissimilar properties. This amino acid position is conserved. In addition, this alteration is predicted to be tolerated by in silico analysis. Since supporting evidence is limited at this time, the clinical significance of this alteration remains unclear.

GeneDx
Classification: Uncertain significance. Last evaluated: 2019-08-27. Review status: criteria provided, single submitter. Criteria: GeneDx Variant Classification Process June 2021. Collection method: clinical testing. Allele origin: germline. Affected: yes.
Comment: Has not been previously published as pathogenic or benign to our knowledge; Not observed at a significant frequency in large population cohorts (Lek et al., 2016); In silico analysis, which includes protein predictors and evolutionary conservation, supports that this variant does not alter protein structure/function